The following is an entry in ClinVar:

NM_006486.3(FBLN1):c.1698-9578G>A

Gene: FBLN1 (fibulin 1; plus strand). Cytogenetic location: 22q13.31.
Variant type: single nucleotide variant.
Coding change: c.1698-9578G>A on transcript NM_006486.3 (MANE Select); 9578 bases into the intron before coding-DNA position 1698, G replaced by A.
Molecular consequence: intron variant. On other transcripts: missense variant (1).
Genome position (GRCh38, 1-based): chr22:45,564,933, G>A. VCF-style: chr22-45564933-G-A. GRCh37 (hg19) VCF-style: chr22-45960813-G-A.
Other names: c.1747G>A, p.Glu583Lys (NM_006485.4); short protein forms E583K.
Identifiers: ClinVar variation 3234533 (VCV003234533.20), dbSNP rs2088889089, ClinGen allele CA411901974.
Genomic context (GRCh38, chr22:45,564,933, plus strand): 5'-ACTGTTTCCAGGCAGAAATCCAAGAAGGGAAGGCAGAACACCCCAGCGGGATCAAGTAAA[G>A]AGGACTGCAGGGTTCTTCCATGGAAGCAGGGGTTGGAGGATACCCACCTTGATGCCTAGT-3'

ClinVar aggregate classification (germline): Likely benign (1 of 4 stars; one submission).

Allele frequency attached by ClinVar (database versions not stated): gnomAD exomes below 0.00001.
gnomAD v4.1: 2 of 1,614,164 alleles (0.00012%); highest among the groups gnomAD compares: East Asian, 0.0022%; no homozygotes.

Submission:

CeGaT Center for Human Genetics Tuebingen
Classification: Likely benign. Last evaluated: 2024-03-01. Review status: criteria provided, single submitter. Criteria: CeGaT Center For Human Genetics Tuebingen Variant Classification Criteria Version 2. Collection method: clinical testing. Allele origin: germline. Affected: yes. Observed: 1 variant allele.
Comment: FBLN1: PM2, BP4, BS2